The following is an entry in ClinVar:

ClinVar aggregate classification (germline): Uncertain significance. Review status: criteria provided, multiple submitters, no conflicts (2 of 4 stars). 2 submissions from 2 submitters: Uncertain significance (2). Last evaluated 2023-12-16.

Conditions:
Inborn genetic diseases. Identifiers: MedGen C0950123, MeSH D030342.

Allele frequency attached by ClinVar (database versions not stated): gnomAD exomes 0.00001; gnomAD 0.00003; TOPMed 0.00005.
gnomAD v4.1: 20 of 1,606,522 alleles (0.0012%); highest among the groups gnomAD compares: African/African-American, 0.004%; no homozygotes.

Submissions (2):

Ambry Genetics
Classification: Uncertain significance for Inborn genetic diseases. Last evaluated: 2023-12-16. Review status: criteria provided, single submitter. Criteria: Ambry Variant Classification Scheme 2023. Collection method: clinical testing. Allele origin: germline.

Labcorp Genetics (formerly Invitae), Labcorp
Classification: Uncertain significance. Last evaluated: 2023-06-08. Review status: criteria provided, single submitter. Criteria: Invitae Variant Classification Sherloc (09022015). Collection method: clinical testing. Allele origin: germline.
Comment: An algorithm developed to predict the effect of missense changes on protein structure and function (PolyPhen-2) suggests that this variant is likely to be disruptive. This sequence change replaces alanine, which is neutral and non-polar, with valine, which is neutral and non-polar, at codon 683 of the AHDC1 protein (p.Ala683Val). This variant is present in population databases (no rsID available, gnomAD 0.004%). This variant has not been reported in the literature in individuals affected with AHDC1-related conditions. In summary, the available evidence is currently insufficient to determine the role of this variant in disease. Therefore, it has been classified as a Variant of Uncertain Significance.

NM_001371928.1(AHDC1):c.2048C>T (p.Ala683Val)

Gene: AHDC1 (AT-hook DNA binding motif containing 1; minus strand). Cytogenetic location: 1p36.11.
Variant type: single nucleotide variant.
Coding change: c.2048C>T on transcript NM_001371928.1 (MANE Select); coding-DNA position 2048, C replaced by T.
Protein change: p.Ala683Val; replaces alanine 683 with valine.
Molecular consequence: missense variant.
Genome position (GRCh38, 1-based): chr1:27,550,068, G>A on the plus strand (C>T on the coding strand, the complement: AHDC1 is on the minus strand). VCF-style: chr1-27550068-G-A. GRCh37 (hg19) VCF-style: chr1-27876579-G-A.
Other names: c.2048C>T, p.Ala683Val (NM_001029882.3); c.2048C>T (NM_001029882.2); short protein forms A683V.
Identifiers: ClinVar variation 2991703 (VCV002991703.4), dbSNP rs1020489249, ClinGen allele CA19876815.
Genomic context (GRCh38, chr1:27,550,068, plus strand): 5'-TTCTTTTTCTTGCCGATGCCCTCAAAGAAGTCACTGAAGGAGCATCGGGCTGACTTGGCC[G>A]CATGGCCCCCACCCCGGCCACCAAAACCGCCTGCTTTGCCCCCACGCCGCCGGAAGCCCT-3'
Protein context (NP_001358857.1, residues 673-693): GGFGGRGGGH[Ala683Val]AKSARCSFSD